The following is an entry in ClinVar:

ClinVar aggregate classification (germline): Uncertain significance (1 of 4 stars; one submission).

Submission:

Labcorp Genetics (formerly Invitae), Labcorp
Classification: Uncertain significance. Last evaluated: 2022-11-01. Review status: criteria provided, single submitter. Criteria: Invitae Variant Classification Sherloc (09022015). Collection method: clinical testing. Allele origin: germline.
Comment: This variant, c.2185_2187del, results in the deletion of 1 amino acid(s) of the SLC9A3 protein (p.Glu729del), but otherwise preserves the integrity of the reading frame. This variant is present in population databases (rs774434563, gnomAD 0.01%). This variant has not been reported in the literature in individuals affected with SLC9A3-related conditions. Experimental studies and prediction algorithms are not available or were not evaluated, and the functional significance of this variant is currently unknown. In summary, the available evidence is currently insufficient to determine the role of this variant in disease. Therefore, it has been classified as a Variant of Uncertain Significance.

NM_004174.4(SLC9A3):c.2182GAG[1] (p.Glu729del)

Genes: SLC9A3 (solute carrier family 9 member A3), SLC9A3-AS1 (SLC9A3 antisense RNA 1; plus strand). Cytogenetic location: 5p15.33.
Variant type: Microsatellite.
Coding change: c.2182GAG[1] on transcript NM_004174.4 (MANE Select); one copy of the 3-base unit GAG starting at c.2182.
Protein change: p.Glu729del; deletes glutamic acid 729.
Molecular consequence: inframe deletion.
Genome position: GRCh38 VCF-style: chr5-475624-TCTC-T. GRCh37 (hg19) VCF-style: chr5-475739-TCTC-T.
Other names: c.2155GAG[1], p.Glu720del (NM_001284351.3); short protein forms E729del, E720del.
Identifiers: ClinVar variation 1507705 (VCV001507705.3), dbSNP rs774434563, ClinGen allele CA3175532.